The following is an entry in ClinVar:

NM_001162498.3(LPAR6):c.587C>T (p.Pro196Leu)

Genes: LPAR6 (lysophosphatidic acid receptor 6; minus strand), RB1 (RB transcriptional corepressor 1; plus strand). Cytogenetic location: 13q14.2.
Variant type: single nucleotide variant.
Coding change: c.587C>T on transcript NM_001162498.3 (MANE Select); coding-DNA position 587, C replaced by T.
Protein change: p.Pro196Leu; replaces proline 196 with leucine.
Molecular consequence: missense variant. On other transcripts: intron variant (2).
Genome position (GRCh38, 1-based): chr13:48,411,837, G>A on the plus strand (C>T on the coding strand, the complement: LPAR6 is on the minus strand). VCF-style: chr13-48411837-G-A. GRCh37 (hg19) VCF-style: chr13-48985973-G-A.
Other names: c.587C>T, p.Pro196Leu (NM_001162497.3, NM_001377316.2, NM_001377317.2 and 1 more transcripts); c.1695+30394G>A (NM_001407165.1, NM_000321.3); short protein forms P196L.
Identifiers: ClinVar variation 30780 (VCV000030780.4), dbSNP rs115596308, ClinGen allele CA026390.

ClinVar aggregate classification (germline): Conflicting classifications of pathogenicity. Review status: criteria provided, conflicting classifications (1 of 4 stars). 3 submissions from 3 submitters: Likely pathogenic (1); Uncertain significance (1). 1 of the submissions does not count toward it. Last evaluated 2025-04-17.

Conditions:
Hypotrichosis 8 (HYPT8). Also called: HYPOTRICHOSIS, LOCALIZED, AUTOSOMAL RECESSIVE 3. Identifiers: Orphanet 55654, MedGen C3279470, MONDO:0010206, OMIM 278150.

Allele frequency attached by ClinVar (database versions not stated): 1000 Genomes Project 0.00020; gnomAD 0.00001; 1000 Genomes Project 30x 0.00016.
gnomAD v4.1: 1 of 1,612,982 alleles (0.000062%); highest among the groups gnomAD compares: African/African-American, 0.0013%; no homozygotes.

Submissions (3):

Women's Health and Genetics/Laboratory Corporation of America, LabCorp
Classification: Likely pathogenic for Hypotrichosis 8. Last evaluated: 2025-04-17. Review status: criteria provided, single submitter. Criteria: LabCorp Variant Classification Summary - May 2015. Collection method: clinical testing. Allele origin: germline.
Comment: Variant summary: LPAR6 c.587C>T (p.Pro196Leu) results in a non-conservative amino acid change in the encoded protein sequence. Three of three in-silico tools predict a damaging effect of the variant on protein function. The variant was absent in 249518 control chromosomes (gnomAD). c.587C>T has been observed in individuals affected with Hypotrichosis 8 (Nahum_2011). These data indicate that the variant is likely to be associated with disease. To our knowledge, no experimental evidence demonstrating an impact on protein function has been reported. The following publication has been ascertained in the context of this evaluation (PMID: 21070332). ClinVar contains an entry for this variant (Variation ID: 30780). Based on the evidence outlined above, the variant was classified as likely pathogenic.

SIB Swiss Institute of Bioinformatics
Classification: Uncertain significance for Hypotrichosis 8. Review status: criteria provided, single submitter. Criteria: ACMG Guidelines, 2015. Collection method: curation. Allele origin: unknown.
Comment: This variant is interpreted as variant of uncertain significance for Hypotrichosis 8, autosomal recessive. The following ACMG Tag(s) were applied: Absent from controls (or at extremely low frequency if recessive) in Exome Sequencing Project, 1000 Genomes Project, or Exome Aggregation Consortium (PM2); Cosegregation with disease in multiple affected family members in a gene definitively known to cause the disease (PP1 upgraded to moderate); Multiple lines of computational evidence support a deleterious effect on the gene or gene product (PP3).

OMIM
Classification: Pathogenic for HYPOTRICHOSIS 8. Last evaluated: 2011-03-01. Review status: no assertion criteria provided. Collection method: literature only. Allele origin: germline. Not counted in ClinVar's aggregate classification.

Literature cited by the submitters: PubMed 21070332 (cited by 3 submitters).